The following is an entry in ClinVar:

ClinVar aggregate classification (germline): Pathogenic. Review status: criteria provided, multiple submitters, no conflicts (2 of 4 stars). 2 submissions from 2 submitters: Pathogenic (2). Last evaluated 2025-09-10.

Conditions:
Early-infantile DEE. Also called: Ohtahara syndrome; Early infantile epileptic encephalopathy with suppression bursts; Early infantile epileptic encephalopathy. Identifiers: Orphanet 1934, MedGen C0393706, MONDO:0800491.

Submissions (2):

GeneDx
Classification: Pathogenic. Last evaluated: 2025-09-10. Review status: criteria provided, single submitter. Criteria: GeneDx Variant Classification Process June 2021. Collection method: clinical testing. Allele origin: germline. Affected: yes.
Comment: Canonical splice site variant predicted to result in an in-frame loss of the adjacent exon in a gene for which loss of function is a known mechanism of disease; Not observed at significant frequency in large population cohorts (gnomAD); This variant is associated with the following publications: (PMID: 25951140, 31440721)

Labcorp Genetics (formerly Invitae), Labcorp
Classification: Pathogenic for Early-infantile DEE. Last evaluated: 2022-10-28. Review status: criteria provided, single submitter. Criteria: Invitae Variant Classification Sherloc (09022015). Collection method: clinical testing. Allele origin: germline.
Comment: This sequence change affects a donor splice site in intron 6 of the KCNQ2 gene. It is expected to disrupt RNA splicing. Variants that disrupt the donor or acceptor splice site typically lead to a loss of protein function (PMID: 16199547), and loss-of-function variants in KCNQ2 are known to be pathogenic (PMID: 14534157, 23692823, 27779742). This variant is not present in population databases (gnomAD no frequency). Disruption of this splice site has been observed in individual(s) with epileptic encephalopathy (PMID: 25951140). In at least one individual the variant was observed to be de novo. This variant is also known as IVS6+1G>C. ClinVar contains an entry for this variant (Variation ID: 658781). Algorithms developed to predict the effect of sequence changes on RNA splicing suggest that this variant may disrupt the consensus splice site. For these reasons, this variant has been classified as Pathogenic.

Literature cited by the submitters: PubMed 16199547 (cited by Labcorp Genetics (formerly Invitae), Labcorp); PubMed 14534157 (cited by Labcorp Genetics (formerly Invitae), Labcorp); PubMed 23692823 (cited by Labcorp Genetics (formerly Invitae), Labcorp); PubMed 27779742 (cited by Labcorp Genetics (formerly Invitae), Labcorp); PubMed 25951140 (cited by Labcorp Genetics (formerly Invitae), Labcorp).

NM_172107.4(KCNQ2):c.927+1G>C

Gene: KCNQ2 (potassium voltage-gated channel subfamily Q member 2; minus strand). Cytogenetic location: 20q13.33.
Variant type: single nucleotide variant.
Coding change: c.927+1G>C on transcript NM_172107.4 (MANE Select); the canonical splice donor site of the intron after coding-DNA position 927, G replaced by C.
Molecular consequence: splice donor variant.
Genome position (GRCh38, 1-based): chr20:63,439,597, C>G on the plus strand (G>C on the coding strand, the complement: KCNQ2 is on the minus strand). VCF-style: chr20-63439597-C-G. GRCh37 (hg19) VCF-style: chr20-62070950-C-G.
Other names: c.927+1G>C (NM_004518.6, NM_172108.5, NM_172106.3 and 2 more transcripts).
Identifiers: ClinVar variation 658781 (VCV000658781.11), dbSNP rs1555870346, ClinGen allele CA409652417.